The following is an entry in ClinVar:

NM_000277.3(PAH):c.970-1G>A

Gene: PAH (phenylalanine hydroxylase; minus strand). Cytogenetic location: 12q23.2.
Variant type: single nucleotide variant.
Coding change: c.970-1G>A on transcript NM_000277.3 (MANE Select); the canonical splice acceptor site of the intron before coding-DNA position 970, G replaced by A.
Molecular consequence: splice acceptor variant.
Genome position (GRCh38, 1-based): chr12:102,844,432, C>T on the plus strand (G>A on the coding strand, the complement: PAH is on the minus strand). VCF-style: chr12-102844432-C-T. GRCh37 (hg19) VCF-style: chr12-103238210-C-T.
Other names: c.970-1G>A (NM_001354304.2).
Identifiers: ClinVar variation 120298 (VCV000120298.7), dbSNP rs202183605, ClinGen allele CA267690.

ClinVar aggregate classification (germline): Likely pathogenic. Review status: reviewed by expert panel (3 of 4 stars). 3 submissions from 3 submitters: Likely pathogenic (1). 2 of the submissions do not count toward it. Last evaluated 2020-04-30.

Conditions:
Phenylketonuria (PKU). Also called: Phenylketonuria (PKU); FOLLING DISEASE; OLIGOPHRENIA PHENYLPYRUVICA; Phenylketonurias. Identifiers: Orphanet 716, MedGen C0031485, MONDO:0009861, OMIM 261600. Disease mechanism: loss of function.

Allele frequency attached by ClinVar (database versions not stated): gnomAD 0.00001; TOPMed below 0.00001.
gnomAD v4.1: 1 of 1,607,276 alleles (0.000062%); highest among the groups gnomAD compares: African/African-American, 0.0013%; no homozygotes.

Submissions (3):

ClinGen PAH Variant Curation Expert Panel
Classification: Likely pathogenic for Phenylketonuria. Last evaluated: 2020-04-30. Review status: reviewed by expert panel. Criteria: ClinGen PAH ACMG Specifications v1. Collection method: curation. Allele origin: germline. Inheritance: Autosomal recessive inheritance.
Comment: The c.970-1G>A variant in PAH is a splice-site variant predicted to result in skipping of exon 10, which is a key region of the encoded enzyme (PVS1_Strong). It is absent from ethnically diverse control databases, including gnomAD/ExAC, 1000 Genomes, and ESP (PM2). It is reported Likely Pathogenic for PKU in Clinvar by a single lab (ID 120298), without further information. It has also been reported in the BioPKU database as an online submission in 2013, without further information. Classification: Likely Pathogenic Supporting ACMG criteria: PVS1_Strong, PM2

Labcorp Genetics (formerly Invitae), Labcorp
Classification: Pathogenic for Phenylketonuria. Last evaluated: 2023-06-15. Review status: criteria provided, single submitter. Criteria: Invitae Variant Classification Sherloc (09022015). Collection method: clinical testing. Allele origin: germline. Not counted in ClinVar's aggregate classification.
Comment: Algorithms developed to predict the effect of sequence changes on RNA splicing suggest that this variant may disrupt the consensus splice site. For these reasons, this variant has been classified as Pathogenic. ClinVar contains an entry for this variant (Variation ID: 120298). Disruption of this splice site has been observed in individual(s) with hyperphenylalaninemia (PMID: 28676969, 32668217; BIOPKU). This variant is not present in population databases (gnomAD no frequency). This sequence change affects an acceptor splice site in intron 9 of the PAH gene. It is expected to disrupt RNA splicing. Variants that disrupt the donor or acceptor splice site typically lead to a loss of protein function (PMID: 16199547), and loss-of-function variants in PAH are known to be pathogenic (PMID: 1301187, 9634518).

Inserm U 954, Faculté de Médecine de Nancy
Classification: Likely pathogenic for Phenylketonuria. Review status: no assertion criteria provided. Collection method: not provided. Allele origin: unknown. Not counted in ClinVar's aggregate classification.
ClinVar note: Converted during submission from probable-pathogenic to Likely pathogenic.

Literature cited by the submitters: PubMed 28676969 (cited by Labcorp Genetics (formerly Invitae), Labcorp); PubMed 32668217 (cited by Labcorp Genetics (formerly Invitae), Labcorp); PubMed 16199547 (cited by Labcorp Genetics (formerly Invitae), Labcorp); PubMed 1301187 (cited by Labcorp Genetics (formerly Invitae), Labcorp); PubMed 9634518 (cited by Labcorp Genetics (formerly Invitae), Labcorp).